The following is an entry in ClinVar:

ClinVar aggregate classification (germline): Likely benign. Review status: criteria provided, multiple submitters, no conflicts (2 of 4 stars). 3 submissions from 3 submitters: Likely benign (2). 1 of the submissions does not count toward it. Last evaluated 2025-12-22.

Conditions:
SLC1A4-related disorder. Also called: SLC1A4-related condition.

Allele frequency attached by ClinVar (database versions not stated): gnomAD exomes 0.00030; ESP Exome Variant Server 0.00031; gnomAD 0.00036 and 0.00038; 1000 Genomes Project 0.00040; TOPMed 0.00041; 1000 Genomes Project 30x 0.00047.
gnomAD v4.1: 815 of 1,614,154 alleles (0.05%); highest among the groups gnomAD compares: Non-Finnish European, 0.06%; 1 homozygote.

Submissions (3):

Labcorp Genetics (formerly Invitae), Labcorp
Classification: Likely benign. Last evaluated: 2025-12-22. Review status: criteria provided, single submitter. Criteria: Invitae Variant Classification Sherloc (09022015). Collection method: clinical testing. Allele origin: germline.

Blueprint Genetics
Classification: Likely benign. Last evaluated: 2024-09-23. Review status: criteria provided, single submitter. Criteria: ACMG Guidelines, 2015. Collection method: clinical testing. Allele origin: germline.

PreventionGenetics, part of Exact Sciences
Classification: Likely benign for SLC1A4-related condition. Last evaluated: 2019-07-08. Review status: no assertion criteria provided. Collection method: clinical testing. Allele origin: germline. Not counted in ClinVar's aggregate classification.
Comment: This variant is classified as likely benign based on ACMG/AMP sequence variant interpretation guidelines (Richards et al. 2015 PMID: 25741868, with internal and published modifications).

NM_003038.5(SLC1A4):c.999C>T (p.Leu333=)

Gene: SLC1A4 (solute carrier family 1 member 4; plus strand). Cytogenetic location: 2p14.
Variant type: single nucleotide variant.
Coding change: c.999C>T on transcript NM_003038.5 (MANE Select); coding-DNA position 999, C replaced by T.
Protein change: p.Leu333=; no amino-acid change (leucine 333 retained).
Molecular consequence: synonymous variant. On other transcripts: intron variant (1).
Genome position (GRCh38, 1-based): chr2:65,016,638, C>T. VCF-style: chr2-65016638-C-T. GRCh37 (hg19) VCF-style: chr2-65243772-C-T.
Other names: c.339C>T, p.Leu113= (NM_001348406.2, NM_001348407.2); c.141-1433C>T (NM_001193493.2).
Identifiers: ClinVar variation 736001 (VCV000736001.14), dbSNP rs189823702, ClinGen allele CA1686023.